The following is an entry in ClinVar:

ClinVar aggregate classification (germline): Uncertain significance. Review status: criteria provided, single submitter (1 of 4 stars). 2 submissions from 2 submitters: Uncertain significance (1). 1 of the submissions does not count toward it. Last evaluated 2022-05-15.

Conditions:
Late-infantile neuronal ceroid lipofuscinosis. Also called: Jansky-Bielschowsky disease. Identifiers: MedGen C0022340, MONDO:0015674.
Neuronal ceroid lipofuscinosis 7 (CLN7). Also called: MFSD8-Related Neuronal Ceroid-Lipofuscinosis. Identifiers: Orphanet 168491, Orphanet 228366, MedGen C1838571, MONDO:0012588, OMIM 610951.

Allele frequency attached by ClinVar (database versions not stated): ExAC 0.00001; gnomAD 0.00001; TOPMed 0.00001; gnomAD exomes 0.00002 and 0.00005; 1000 Genomes Project 0.00020; 1000 Genomes Project 30x 0.00031.
gnomAD v4.1: 68 of 1,611,964 alleles (0.0042%); highest among the groups gnomAD compares: Non-Finnish European, 0.0058%; no homozygotes.

Submissions (2):

Labcorp Genetics (formerly Invitae), Labcorp
Classification: Uncertain significance for Neuronal ceroid lipofuscinosis 7. Last evaluated: 2022-05-15. Review status: criteria provided, single submitter. Criteria: Invitae Variant Classification Sherloc (09022015). Collection method: clinical testing. Allele origin: germline.
Comment: This sequence change replaces isoleucine, which is neutral and non-polar, with asparagine, which is neutral and polar, at codon 39 of the MFSD8 protein (p.Ile39Asn). This variant is present in population databases (rs140349255, gnomAD 0.004%). This variant has not been reported in the literature in individuals affected with MFSD8-related conditions. ClinVar contains an entry for this variant (Variation ID: 990258). Algorithms developed to predict the effect of missense changes on protein structure and function are either unavailable or do not agree on the potential impact of this missense change (SIFT: "Deleterious"; PolyPhen-2: "Probably Damaging"; Align-GVGD: "Class C0"). In summary, the available evidence is currently insufficient to determine the role of this variant in disease. Therefore, it has been classified as a Variant of Uncertain Significance.

Natera, Inc.
Classification: Uncertain significance for Late-infantile neuronal ceroid lipofuscinosis. Last evaluated: 2020-06-19. Review status: no assertion criteria provided. Collection method: clinical testing. Allele origin: germline. Not counted in ClinVar's aggregate classification.

NM_001371596.2(MFSD8):c.116T>A (p.Ile39Asn)

Gene: MFSD8 (major facilitator superfamily domain containing 8; minus strand). Cytogenetic location: 4q28.2.
Variant type: single nucleotide variant.
Coding change: c.116T>A on transcript NM_001371596.2 (MANE Select); coding-DNA position 116, T replaced by A.
Protein change: p.Ile39Asn; replaces isoleucine 39 with asparagine.
Molecular consequence: missense variant. On other transcripts: 5 prime UTR variant (1).
Genome position (GRCh38, 1-based): chr4:127,957,539, A>T on the plus strand (T>A on the coding strand, the complement: MFSD8 is on the minus strand). VCF-style: chr4-127957539-A-T. GRCh37 (hg19) VCF-style: chr4-128878694-A-T.
Other names: c.116T>A, p.Ile39Asn (NM_001363520.3, NM_001363521.3, NM_001371591.2 and 5 more transcripts); c.-20T>A (NM_001371590.2, NM_001371595.1, NM_001410765.1); short protein forms I39N.
Identifiers: ClinVar variation 990258 (VCV000990258.7), dbSNP rs140349255, ClinGen allele CA3077570.